The following is an entry in ClinVar:

ClinVar aggregate classification (germline): Conflicting classifications of pathogenicity. Review status: criteria provided, conflicting classifications (1 of 4 stars). 3 submissions from 3 submitters: Likely pathogenic (1); Uncertain significance (1). 1 of the submissions does not count toward it. Last evaluated 2024-05-15.

Conditions:
Cardiovascular phenotype. Identifiers: MedGen CN230736.
Familial long QT syndrome (RWS). Also called: Congenital long QT syndrome; Romano-Ward syndrome; VENTRICULAR FIBRILLATION WITH PROLONGED QT INTERVAL. Identifiers: Orphanet 768, MedGen C1141890, MONDO:0019171.
Long QT syndrome (LQTS). Identifiers: MedGen C0023976, MeSH D008133, MONDO:0002442. Disease mechanism: loss of function. Inheritance: Various modes of inheritance.

Submissions (3):

Labcorp Genetics (formerly Invitae), Labcorp
Classification: Uncertain significance for Long QT syndrome. Last evaluated: 2024-05-15. Review status: criteria provided, single submitter. Criteria: Invitae Variant Classification Sherloc (09022015). Collection method: clinical testing. Allele origin: germline.
Comment: This sequence change replaces leucine, which is neutral and non-polar, with proline, which is neutral and non-polar, at codon 239 of the KCNQ1 protein (p.Leu239Pro). This variant is not present in population databases (gnomAD no frequency). This missense change has been observed in individual(s) with Long QT Syndrome (PMID: 16414944, 34505893). ClinVar contains an entry for this variant (Variation ID: 53089). Advanced modeling of protein sequence and biophysical properties (such as structural, functional, and spatial information, amino acid conservation, physicochemical variation, residue mobility, and thermodynamic stability) performed at Invitae indicates that this missense variant is expected to disrupt KCNQ1 protein function with a positive predictive value of 95%. Experimental studies have shown that this missense change affects KCNQ1 function (PMID: 19590188). In summary, the available evidence is currently insufficient to determine the role of this variant in disease. Therefore, it has been classified as a Variant of Uncertain Significance.

Ambry Genetics
Classification: Likely pathogenic for Cardiovascular phenotype. Last evaluated: 2018-09-07. Review status: criteria provided, single submitter. Criteria: Ambry Variant Classification Scheme 2023. Collection method: clinical testing. Allele origin: germline.
Comment: The p.L239P variant (also known as c.716T>C), located in coding exon 5 of the KCNQ1 gene, results from a T to C substitution at nucleotide position 716. The leucine at codon 239 is replaced by proline, an amino acid with similar properties. This variant was identified in a cohort of individuals with long QT syndrome; however, specific clinical details were not provided (Napolitano C et al. JAMA, 2005 Dec;294:2975-80). In Xenopus oocytes, this variant reduced current and exhibited an increased rate of deactivation; when expressed with wild type KCNQ1 and also KCNE1, the current was decreased by more than 50% compared to wild type KCNQ1 and KCNE1 (Henrion U et al. Cell. Physiol. Biochem., 2009 Jul;24:11-6). This amino acid position is highly conserved in available vertebrate species. In addition, this alteration is predicted to be deleterious by in silico analysis. Based on the majority of available evidence to date, this variant is likely to be pathogenic.

Cardiovascular Biomedical Research Unit, Royal Brompton & Harefield NHS Foundation Trust
No classification provided. Condition: Familial long QT syndrome. Review status: no classification provided. Collection method: literature only. Allele origin: germline. Not counted in ClinVar's aggregate classification.
Comment: This variant has been reported as associated with Long QT syndrome in the following publications (PMID:16414944;PMID:19590188). This is a literature report, and does not necessarily reflect the clinical interpretation of the Imperial College / Royal Brompton Cardiovascular Genetics laboratory.

Literature cited by the submitters: PubMed 16414944 (cited by 3 submitters); PubMed 34505893 (cited by Labcorp Genetics (formerly Invitae), Labcorp); PubMed 19590188 (cited by 3 submitters); PubMed 22581653 (cited by Ambry Genetics and Cardiovascular Biomedical Research Unit, Royal Brompton & Harefield NHS Foundation Trust).

NM_000218.3(KCNQ1):c.716T>C (p.Leu239Pro)

Gene: KCNQ1 (potassium voltage-gated channel subfamily Q member 1; plus strand). Cytogenetic location: 11p15.5.
Variant type: single nucleotide variant.
Coding change: c.716T>C on transcript NM_000218.3 (MANE Select); coding-DNA position 716, T replaced by C.
Protein change: p.Leu239Pro; replaces leucine 239 with proline.
Molecular consequence: missense variant.
Genome position (GRCh38, 1-based): chr11:2,572,045, T>C. VCF-style: chr11-2572045-T-C. GRCh37 (hg19) VCF-style: chr11-2593275-T-C.
Other names: c.716T>C (LRG_287t1); c.716T>C, p.Leu239Pro (NM_001406836.1); c.446T>C, p.Leu149Pro (NM_001406837.1); c.335T>C, p.Leu112Pro (NM_181798.2); short protein forms L239P, L112P, L149P.
Identifiers: ClinVar variation 53089 (VCV000053089.7), dbSNP rs199473458, ClinGen allele CA007953.